The following is an entry in ClinVar:

ClinVar aggregate classification (germline): Uncertain significance (1 of 4 stars; one submission).

Conditions:
Spinocerebellar ataxia, autosomal recessive 29. Also called: BARAKAT-VAN HAM-KAYA SYNDROME; NEURODEVELOPMENTAL DISORDER WITH HYPOTONIA AND CEREBELLAR ATAXIA. Identifiers: MedGen C5543595, MONDO:0030312, OMIM 619389.

gnomAD v4.1: 31 of 1,614,038 alleles (0.0019%); highest among the groups gnomAD compares: East Asian, 0.0067%; no homozygotes.

Submission:

Department of Pediatrics, Nagoya University Graduate School of Medicine
Classification: Uncertain significance for Spinocerebellar ataxia, autosomal recessive 29. Last evaluated: 2025-05-26. Review status: criteria provided, single submitter. Criteria: ACMG Guidelines, 2015. Collection method: research. Allele origin: unknown. Affected: yes. Observed: 1 variant allele.
Comment: The VPS41 variant (NM_014396.4:c.409G>A, NP_055211.2:p.Val137Met) results in a missense change at a conserved amino acid position (Valine to Methionine at codon 137). This variant is absent from large population databases (e.g., gnomAD). However, no functional studies are available, and the variant has not been previously reported in affected individuals or established as pathogenic. Overall, the following ACMG criteria were applied in classifying this variant as Variant of Uncertain Significance (VUS): PM2.

NM_014396.4(VPS41):c.409G>A (p.Val137Met)

Gene: VPS41 (VPS41 subunit of HOPS complex; minus strand). Cytogenetic location: 7p14.1.
Variant type: single nucleotide variant.
Coding change: c.409G>A on transcript NM_014396.4 (MANE Select); coding-DNA position 409, G replaced by A.
Protein change: p.Val137Met; replaces valine 137 with methionine.
Molecular consequence: missense variant.
Genome position (GRCh38, 1-based): chr7:38,817,858, C>T on the plus strand (G>A on the coding strand, the complement: VPS41 is on the minus strand). VCF-style: chr7-38817858-C-T. GRCh37 (hg19) VCF-style: chr7-38857458-C-T.
Other names: c.334G>A, p.Val112Met (NM_080631.4); short protein forms V112M, V137M.
Identifiers: ClinVar variation 4076111 (VCV004076111.1).